The following is an entry in ClinVar:

ClinVar aggregate classification (germline): Pathogenic (1 of 4 stars; one submission).

Conditions:
Neuronal ceroid lipofuscinosis. Also called: Neuronal Ceroid Lipofuscinoses. Identifiers: Orphanet 216, Orphanet 79263, MedGen C0027877, MONDO:0016295. Disease mechanism: loss of function.

Submission:

Labcorp Genetics (formerly Invitae), Labcorp
Classification: Pathogenic for Neuronal ceroid lipofuscinosis. Last evaluated: 2024-02-12. Review status: criteria provided, single submitter. Criteria: Invitae Variant Classification Sherloc (09022015). Collection method: clinical testing. Allele origin: germline.
Comment: This sequence change creates a premature translational stop signal (p.Ala80Glnfs*47) in the CLN8 gene. It is expected to result in an absent or disrupted protein product. Loss-of-function variants in CLN8 are known to be pathogenic (PMID: 15024724). This variant is not present in population databases (gnomAD no frequency). This variant has not been reported in the literature in individuals affected with CLN8-related conditions. For these reasons, this variant has been classified as Pathogenic.

Literature cited by the submitters: PubMed 15024724.

NM_018941.4(CLN8):c.237del (p.Ala80fs)

Gene: CLN8 (CLN8 transmembrane ER and ERGIC protein; plus strand). Cytogenetic location: 8p23.3.
Variant type: Deletion.
Coding change: c.237del on transcript NM_018941.4 (MANE Select); coding-DNA position 237, one base deleted (C; older notation c.237delC).
Protein change: p.Ala80fs; shifts the reading frame from alanine 80.
Molecular consequence: frameshift variant.
Genome position (GRCh38, 1-based): chr8:1,771,291, C deleted; the last of 2 consecutive C bases (chr8:1,771,290-1,771,291); deleting either gives the same sequence. VCF-style (leftmost placement, unchanged base first): chr8-1771289-GC-G. GRCh37 (hg19) VCF-style: chr8-1719455-GC-G.
Other names: short protein forms A80fs.
Identifiers: ClinVar variation 3640321 (VCV003640321.2).